The following is an entry in ClinVar:

ClinVar aggregate classification (germline): Uncertain significance. Review status: criteria provided, multiple submitters, no conflicts (2 of 4 stars). 2 submissions from 2 submitters: Uncertain significance (2). Last evaluated 2025-03-28.

Conditions:
Inborn genetic diseases. Identifiers: MedGen C0950123, MeSH D030342.
Jeune thoracic dystrophy. Also called: Jeune syndrome; Infantile thoracic dystrophy; Thoracic pelvic phalangeal dystrophy; Jeune's syndrome; Chondroectodermal dysplasia-like syndrome; Short-rib thoracic dysplasia. Identifiers: Orphanet 474, MedGen C0265275, MONDO:0018770.

Allele frequency attached by ClinVar (database versions not stated): TOPMed 0.00002; gnomAD exomes 0.00003; gnomAD 0.00004; ExAC 0.00010.
gnomAD v4.1: 42 of 1,611,618 alleles (0.0026%); highest among the groups gnomAD compares: Non-Finnish European, 0.0022%; no homozygotes.

Submissions (2):

Ambry Genetics
Classification: Uncertain significance for Inborn genetic diseases. Last evaluated: 2025-03-28. Review status: criteria provided, single submitter. Criteria: Ambry Variant Classification Scheme 2023. Collection method: clinical testing. Allele origin: germline.

Labcorp Genetics (formerly Invitae), Labcorp
Classification: Uncertain significance for Jeune thoracic dystrophy. Last evaluated: 2022-03-09. Review status: criteria provided, single submitter. Criteria: Invitae Variant Classification Sherloc (09022015). Collection method: clinical testing. Allele origin: germline.
Comment: This sequence change replaces lysine, which is basic and polar, with glutamine, which is neutral and polar, at codon 135 of the IFT80 protein (p.Lys135Gln). The frequency data for this variant in the population databases is considered unreliable, as metrics indicate poor data quality at this position in the gnomAD database. This variant has not been reported in the literature in individuals affected with IFT80-related conditions. Algorithms developed to predict the effect of missense changes on protein structure and function are either unavailable or do not agree on the potential impact of this missense change (SIFT: "Deleterious"; PolyPhen-2: "Benign"; Align-GVGD: "Class C0"). In summary, the available evidence is currently insufficient to determine the role of this variant in disease. Therefore, it has been classified as a Variant of Uncertain Significance.

NM_020800.3(IFT80):c.403A>C (p.Lys135Gln)

Genes: IFT80 (intraflagellar transport 80; minus strand), TRIM59-IFT80 (TRIM59-IFT80 readthrough (NMD candidate); minus strand). Cytogenetic location: 3q25.33.
Variant type: single nucleotide variant.
Coding change: c.403A>C on transcript NM_020800.3 (MANE Select); coding-DNA position 403, A replaced by C.
Protein change: p.Lys135Gln; replaces lysine 135 with glutamine.
Molecular consequence: missense variant. On other transcripts: non-coding transcript variant (2), 5 prime UTR variant (2).
Genome position (GRCh38, 1-based): chr3:160,375,848, T>G on the plus strand (A>C on the coding strand, the complement: IFT80 is on the minus strand). VCF-style: chr3-160375848-T-G. GRCh37 (hg19) VCF-style: chr3-160093636-T-G.
Other names: c.403A>C (NM_020800.2); c.-9A>C (NM_001190241.2, NM_001190242.2); short protein forms K135Q.
Identifiers: ClinVar variation 2014906 (VCV002014906.5), dbSNP rs779056256, ClinGen allele CA2685500.
Genomic context (GRCh38, chr3:160,375,848, plus strand): 5'-GAAATTGTCAATTGTAAAACATACCTTGCTGAGCTAAAGTTGATCTAAGCATCCCAGTCT[T>G]TGACCAAATTTTTATTTGTCCATCTTCTCCAACTATACAGGGAAAAAAAAATTAATCAGT-3'
Protein context (NP_065851.1, residues 125-145): GEDGQIKIWS[Lys135Gln]TGMLRSTLAQ